The following is an entry in ClinVar:

NM_000130.5(F5):c.4849A>C (p.Lys1617Gln)

Gene: F5 (coagulation factor V; minus strand). Cytogenetic location: 1q24.2.
Variant type: single nucleotide variant.
Coding change: c.4849A>C on transcript NM_000130.5 (MANE Select); coding-DNA position 4849, A replaced by C.
Protein change: p.Lys1617Gln; replaces lysine 1617 with glutamine.
Molecular consequence: missense variant.
Genome position (GRCh38, 1-based): chr1:169,536,628, T>G on the plus strand (A>C on the coding strand, the complement: F5 is on the minus strand). VCF-style: chr1-169536628-T-G. GRCh37 (hg19) VCF-style: chr1-169505866-T-G.
Other names: short protein forms K1617Q.
Identifiers: ClinVar variation 2630252 (VCV002630252.1), dbSNP rs2526378836, ClinGen allele CA343138085.

ClinVar aggregate classification (germline): Uncertain significance (1 of 4 stars; one submission).

Conditions:
F5-related disorder. Also called: F5-related condition.

Submission:

PreventionGenetics, part of Exact Sciences
Classification: Uncertain significance for F5-related condition. Last evaluated: 2023-02-12. Review status: criteria provided, single submitter. Criteria: ACMG Guidelines, 2015. Collection method: clinical testing. Allele origin: germline.
Comment: The F5 c.4849A>C variant is predicted to result in the amino acid substitution p.Lys1617Gln. To our knowledge, this variant has not been reported in the literature or in a large population database, indicating this variant is rare. At this time, the clinical significance of this variant is uncertain due to the absence of conclusive functional and genetic evidence.